The following is an entry in ClinVar:

NM_018136.5(ASPM):c.5984_5986del (p.Lys1995_Ala1996delinsThr)

Gene: ASPM (assembly factor for spindle microtubules; minus strand). Cytogenetic location: 1q31.3.
Variant type: Deletion.
Coding change: c.5984_5986del on transcript NM_018136.5 (MANE Select); coding-DNA positions 5984 to 5986, 3 bases deleted (AAG; older notation c.5984_5986delAAG).
Protein change: p.Lys1995_Ala1996delinsThr.
Molecular consequence: inframe indel. On other transcripts: intron variant (1).
Genome position (GRCh38, 1-based): chr1:197,103,265-197,103,267, CTT deleted on the plus strand (AAG on the coding strand, the reverse complement: ASPM is on the minus strand). VCF-style (leftmost placement, unchanged base first): chr1-197103264-GCTT-G. GRCh37 (hg19) VCF-style: chr1-197072394-GCTT-G.
Other names: c.4066-7103_4066-7101del (NM_001206846.2); c.5984_5986del (NM_018136.4).
Identifiers: ClinVar variation 287552 (VCV000287552.6), dbSNP rs886043659, ClinGen allele CA10605793.
Genomic context (GRCh38, chr1:197,103,264, plus strand): 5'-AAATGATTCTGTTCTCTTCCAATACTGTAAGCCCTATAATACTTTTGAATCAGAAGAGCA[GCTT>G]TTTTCATGATTTTCCACTTCTTTTGTTGCACATGCATTCTATAGTATGACTGTATGATGA-3'

ClinVar aggregate classification (germline): Uncertain significance. Review status: criteria provided, multiple submitters, no conflicts (2 of 4 stars). 2 submissions from 2 submitters: Uncertain significance (2). Last evaluated 2024-10-08.

Allele frequency attached by ClinVar (database versions not stated): gnomAD exomes 0.00001 and 0.00002; gnomAD 0.00005; TOPMed 0.00007.

Submissions (2):

GeneDx
Classification: Uncertain significance. Last evaluated: 2024-10-08. Review status: criteria provided, single submitter. Criteria: GeneDx Variant Classification Process June 2021. Collection method: clinical testing. Allele origin: germline. Affected: yes.
Comment: In-frame deletion of 2 amino acids and insertion of 1 different amino acid in a non-repeat region; In silico analysis indicates that this variant does not alter protein structure/function; Has not been previously published as pathogenic or benign to our knowledge

Eurofins Ntd Llc (ga)
Classification: Uncertain significance. Last evaluated: 2016-05-05. Review status: criteria provided, single submitter. Criteria: EGL Classification Definitions 2015. Collection method: clinical testing. Allele origin: germline. Observed: 1 variant allele, 1 heterozygote.